The following is an entry in ClinVar:

ClinVar aggregate classification (germline): Uncertain significance (1 of 4 stars; one submission).

Submission:

Labcorp Genetics (formerly Invitae), Labcorp
Classification: Uncertain significance. Last evaluated: 2019-02-27. Review status: criteria provided, single submitter. Criteria: Invitae Variant Classification Sherloc (09022015). Collection method: clinical testing. Allele origin: germline.
Comment: Algorithms developed to predict the effect of missense changes on protein structure and function output the following: SIFT: "Tolerated"; PolyPhen-2: "Benign"; Align-GVGD: "Class C0". The proline amino acid residue is found in multiple mammalian species, suggesting that this missense change does not adversely affect protein function. These predictions have not been confirmed by published functional studies and their clinical significance is uncertain. This variant has not been reported in the literature in individuals with NTHL1-related conditions. This variant is not present in population databases (ExAC no frequency). This sequence change replaces proline with serine at codon 38 of the NTHL1 protein (p.Pro38Ser). The proline residue is weakly conserved and there is a moderate physicochemical difference between proline and serine. In summary, the available evidence is currently insufficient to determine the role of this variant in disease. Therefore, it has been classified as a Variant of Uncertain Significance.

NM_002528.7(NTHL1):c.88C>T (p.Pro30Ser)

Gene: NTHL1 (nth like DNA glycosylase 1; minus strand). Cytogenetic location: 16p13.3.
Variant type: single nucleotide variant.
Coding change: c.88C>T on transcript NM_002528.7 (MANE Select); coding-DNA position 88, C replaced by T.
Protein change: p.Pro30Ser; replaces proline 30 with serine.
Molecular consequence: missense variant. On other transcripts: 5 prime UTR variant (1).
Genome position (GRCh38, 1-based): chr16:2,047,736, G>A on the plus strand (C>T on the coding strand, the complement: NTHL1 is on the minus strand). VCF-style: chr16-2047736-G-A. GRCh37 (hg19) VCF-style: chr16-2097737-G-A.
Other names: c.88C>T, p.Pro30Ser (NM_001318193.2); c.-91C>T (NM_001318194.2); short protein forms P30S.
Identifiers: ClinVar variation 851594 (VCV000851594.8), dbSNP rs541004726, ClinGen allele CA394298324.